The following is an entry in ClinVar:

NM_013382.7(POMT2):c.678del (p.Trp226fs)

Genes: POMT2 (protein O-mannosyltransferase 2; minus strand), LOC130056175 (ATAC-STARR-seq lymphoblastoid silent region 5968; plus strand). Cytogenetic location: 14q24.3.
Variant type: Deletion.
Coding change: c.678del on transcript NM_013382.7 (MANE Select); coding-DNA position 678, one base deleted (G; older notation c.678delG).
Protein change: p.Trp226fs; shifts the reading frame from tryptophan 226.
Molecular consequence: frameshift variant.
Genome position (GRCh38, 1-based): chr14:77,301,228, C deleted on the plus strand (G on the coding strand, the reverse complement: POMT2 is on the minus strand); the first of 2 consecutive C bases (chr14:77,301,228-77,301,229); deleting either gives the same sequence. VCF-style (leftmost placement, unchanged base first): chr14-77301227-AC-A. GRCh37 (hg19) VCF-style: chr14-77767570-AC-A.
Other names: short protein forms W226fs.
Identifiers: ClinVar variation 211951 (VCV000211951.10), dbSNP rs755660222, ClinGen allele CA208301.

ClinVar aggregate classification (germline): Pathogenic/Likely pathogenic. Review status: criteria provided, multiple submitters, no conflicts (2 of 4 stars). 3 submissions from 3 submitters: Pathogenic (2); Likely pathogenic (1). Last evaluated 2025-04-30.

Conditions:
Muscular dystrophy. Identifiers: Orphanet 98473, MedGen C0026850, MeSH D009136, MONDO:0020121, HP:0003560.
Muscular dystrophy-dystroglycanopathy (congenital with brain and eye anomalies), type A2. Also called: MUSCULAR DYSTROPHY-DYSTROGLYCANOPATHY (CONGENITAL WITH BRAIN AND EYE ANOMALIES), TYPE A, 2; WALKER-WARBURG SYNDROME OR MUSCLE-EYE-BRAIN DISEASE, POMT2-RELATED. Identifiers: Orphanet 588, Orphanet 899, MedGen C3150411, MONDO:0013154, OMIM 613150.
Muscular dystrophy-dystroglycanopathy (congenital with impaired intellectual development), type B, 2. Also called: Muscular dystrophy-dystroglycanopathy (congenital with intellectual disability), type B2; MUSCULAR DYSTROPHY, CONGENITAL, POMT2-RELATED. Identifiers: MedGen C3150416, MONDO:0013160, OMIM 613156.
Autosomal recessive limb-girdle muscular dystrophy type 2N. Also called: Muscular dystrophy-dystroglycanopathy (limb-girdle), type C, 2; MUSCULAR DYSTROPHY-DYSTROGLYCANOPATHY, LIMB-GIRDLE, POMT2-RELATED. Identifiers: Orphanet 206559, MedGen C3150418, MONDO:0013162, OMIM 613158.

Submissions (3):

Labcorp Genetics (formerly Invitae), Labcorp
Classification: Pathogenic for Muscular dystrophy-dystroglycanopathy (congenital with impaired intellectual development), type B, 2; Muscular dystrophy-dystroglycanopathy (congenital with brain and eye anomalies), type A2; Autosomal recessive limb-girdle muscular dystrophy type 2N. Last evaluated: 2025-04-30. Review status: criteria provided, single submitter. Criteria: Invitae Variant Classification Sherloc (09022015). Collection method: clinical testing. Allele origin: germline.
Comment: This sequence change creates a premature translational stop signal (p.Trp226Cysfs*6) in the POMT2 gene. It is expected to result in an absent or disrupted protein product. Loss-of-function variants in POMT2 are known to be pathogenic (PMID: 15894594). This variant is present in population databases (rs755660222, gnomAD 0.0009%). This variant has not been reported in the literature in individuals affected with POMT2-related conditions. ClinVar contains an entry for this variant (Variation ID: 211951). For these reasons, this variant has been classified as Pathogenic.

Baylor Genetics
Classification: Likely pathogenic for Muscular dystrophy-dystroglycanopathy (congenital with brain and eye anomalies), type A2. Last evaluated: 2024-01-16. Review status: criteria provided, single submitter. Criteria: ACMG Guidelines, 2015. Collection method: clinical testing. Allele origin: unknown.

Genetic Services Laboratory, University of Chicago
Classification: Pathogenic for Muscular dystrophy. Last evaluated: 2015-03-04. Review status: criteria provided, single submitter. Criteria: ACMG Guidelines, 2015. Collection method: clinical testing. Allele origin: germline. Affected: yes.

Literature cited by the submitters: PubMed 15894594 (cited by Labcorp Genetics (formerly Invitae), Labcorp).